The following is an entry in ClinVar:

ClinVar aggregate classification (germline): Pathogenic/Likely pathogenic. Review status: criteria provided, multiple submitters, no conflicts (2 of 4 stars). 3 submissions from 3 submitters: Pathogenic (1); Likely pathogenic (2). Last evaluated 2023-04-04.

Conditions:
Achondrogenesis, type IB (ACG1B). Also called: Achondrogenesis Type 1B. Identifiers: Orphanet 932, Orphanet 93298, MedGen C0265274, MONDO:0010966, OMIM 600972.
Atelosteogenesis type II (AO2). Also called: NEONATAL OSSEOUS DYSPLASIA I; Neonatal osseous dysplasia 1; SLC26A2-Related Atelosteogenesis. Identifiers: Orphanet 56304, MedGen C1850554, MONDO:0009727, OMIM 256050.
Multiple epiphyseal dysplasia type 4 (EDM4). Also called: MULTIPLE EPIPHYSEAL DYSPLASIA WITH BILAYERED PATELLAE; MULTIPLE EPIPHYSEAL DYSPLASIA WITH CLUBFOOT; MULTIPLE EPIPHYSEAL DYSPLASIA, AUTOSOMAL RECESSIVE; SLC26A2-Related Multiple Epiphyseal Dysplasia; Multiple Epiphyseal Dysplasia, Recessive. Identifiers: Orphanet 93307, MedGen C1847593, MONDO:0009189, OMIM 226900.
Diastrophic dysplasia (DTD). Also called: Diastrophic dwarfism. Identifiers: Orphanet 628, MedGen C0220726, MONDO:0009107, OMIM 222600.

Submissions (3):

Baylor Genetics
Classification: Likely pathogenic for Achondrogenesis, type IB. Last evaluated: 2023-04-04. Review status: criteria provided, single submitter. Criteria: ACMG Guidelines, 2015. Collection method: clinical testing. Allele origin: unknown.

Labcorp Genetics (formerly Invitae), Labcorp
Classification: Pathogenic for Atelosteogenesis type 2; Multiple epiphyseal dysplasia 4; Achondrogenesis, type IB; Diastrophic dysplasia. Last evaluated: 2018-12-04. Review status: criteria provided, single submitter. Criteria: Invitae Variant Classification Sherloc (09022015). Collection method: clinical testing. Allele origin: germline.
Comment: This sequence change results in a premature translational stop signal in the SLC26A2 gene (p.Gln233*). While this is not anticipated to result in nonsense mediated decay, it is expected to disrupt the last 507 amino acids of the SLC26A2 protein. This variant is not present in population databases (ExAC no frequency). This variant has not been reported in the literature in individuals with SLC26A2-related disease. Experimental studies and prediction algorithms are not available for this variant, and the functional significance of the affected amino acid(s) is currently unknown. This variant disrupts the C-terminus of the SLC26A2 protein. Other variant(s) that disrupt this region (p.Lys575Serfs*10) have been determined to be likely pathogenic (PMID: 7923357, 8528239, 8571951). This suggests that variants that disrupt this region of the protein are likely to be causative of disease. For these reasons, this variant has been classified as Pathogenic.

Kariminejad - Najmabadi Pathology & Genetics Center
Classification: Likely pathogenic for Achondrogenesis, type IB. Review status: criteria provided, single submitter. Criteria: ACMG Guidelines, 2015. Collection method: clinical testing. Allele origin: germline. Affected: no.

Literature cited by the submitters: PubMed 8571951 (cited by Labcorp Genetics (formerly Invitae), Labcorp); PubMed 8528239 (cited by Labcorp Genetics (formerly Invitae), Labcorp); PubMed 7923357 (cited by Labcorp Genetics (formerly Invitae), Labcorp).

NM_000112.4(SLC26A2):c.697C>T (p.Gln233Ter)

Gene: SLC26A2 (solute carrier family 26 member 2; plus strand). Cytogenetic location: 5q32.
Variant type: single nucleotide variant.
Coding change: c.697C>T on transcript NM_000112.4 (MANE Select); coding-DNA position 697, C replaced by T.
Protein change: p.Gln233Ter; replaces glutamine 233 with a stop codon.
Molecular consequence: nonsense.
Genome position (GRCh38, 1-based): chr5:149,978,349, C>T. VCF-style: chr5-149978349-C-T. GRCh37 (hg19) VCF-style: chr5-149357912-C-T.
Other names: short protein forms Q233*.
Identifiers: ClinVar variation 655153 (VCV000655153.3), dbSNP rs1429562386, ClinGen allele CA361705546.
Genomic context (GRCh38, chr5:149,978,349, plus strand): 5'-GACAAAAGTTGCTATGCAATTATGGTTGGCAGCACTGTAACCTTTATAGCTGGAGTTTAT[C>T]AGGTAAGCAGCAATGAAACAATTGGTTATTTCTAGAAAAGTAATCTAGTACATGAAATCT-3'